The following is an entry in ClinVar:

ClinVar aggregate classification (germline): Uncertain significance. Review status: criteria provided, multiple submitters, no conflicts (2 of 4 stars). 6 submissions from 6 submitters: Uncertain significance (6). Last evaluated 2026-10-14.

Conditions:
Familial cancer of breast. Also called: BREAST CANCER, FAMILIAL; hereditary breast carcinoma; Hereditary breast cancer. Identifiers: Orphanet 227535, MedGen C0346153, MONDO:0016419, OMIM 114480. Disease mechanism: loss of function.
Inherited breast cancer and ovarian cancer.
Hereditary cancer-predisposing syndrome. Also called: Neoplastic Syndromes, Hereditary; Tumor predisposition; Hereditary Cancer Syndrome; Hereditary neoplastic syndrome. Identifiers: Orphanet 140162, MedGen C0027672, MeSH D009386, MONDO:0015356.

Allele frequency attached by ClinVar (database versions not stated): gnomAD 0.00001; gnomAD exomes 0.00001; TOPMed 0.00002.
gnomAD v4.1: 21 of 1,613,990 alleles (0.0013%); highest among the groups gnomAD compares: Non-Finnish European, 0.0018%; no homozygotes.

Submissions (6):

Cambridge Genomics Laboratory, East Genomic Laboratory Hub, NHS Genomic Medicine Service
Classification: Uncertain significance for Inherited breast cancer and ovarian cancer. Last evaluated: 2026-10-14. Review status: criteria provided, single submitter. Criteria: ACGS Best Practice Guidelines for Variant Classification in Rare Disease 2020. Collection method: clinical testing. Allele origin: germline. Affected: yes.
Comment: BP1

Labcorp Genetics (formerly Invitae), Labcorp
Classification: Uncertain significance for Familial cancer of breast. Last evaluated: 2026-01-26. Review status: criteria provided, single submitter. Criteria: Invitae Variant Classification Sherloc (09022015). Collection method: clinical testing. Allele origin: germline.
Comment: This sequence change replaces leucine, which is neutral and non-polar, with serine, which is neutral and polar, at codon 581 of the PALB2 protein (p.Leu581Ser). This variant is not present in population databases (gnomAD no frequency). This missense change has been observed in individual(s) with colorectal cancer (PMID: 28135145). ClinVar contains an entry for this variant (Variation ID: 410138). Invitae Evidence Modeling of protein sequence and biophysical properties (such as structural, functional, and spatial information, amino acid conservation, physicochemical variation, residue mobility, and thermodynamic stability) indicates that this missense variant is not expected to disrupt PALB2 protein function with a negative predictive value of 80%. In summary, the available evidence is currently insufficient to determine the role of this variant in disease. Therefore, it has been classified as a Variant of Uncertain Significance.

Color Diagnostics, LLC DBA Color Health
Classification: Uncertain significance for Hereditary cancer-predisposing syndrome. Last evaluated: 2024-08-14. Review status: criteria provided, single submitter. Criteria: ACMG Guidelines, 2015. Collection method: clinical testing. Allele origin: germline.
Comment: This missense variant replaces leucine with serine at codon 581 of the PALB2 protein. Computational prediction suggests that this variant may not impact protein structure and function. To our knowledge, functional studies have not been reported for this variant. This variant has been reported in an individual affected with colorectal cancer (PMID: 28135145) and in two unaffected individuals in a breast cancer case-control study (PMID: 28779002, 33471991). This variant has not been identified in the general population by the Genome Aggregation Database (gnomAD). The available evidence is insufficient to determine the role of this variant in disease conclusively. Therefore, this variant is classified as a Variant of Uncertain Significance.

Ambry Genetics
Classification: Uncertain significance for Hereditary cancer-predisposing syndrome. Last evaluated: 2024-05-20. Review status: criteria provided, single submitter. Criteria: Ambry Variant Classification Scheme 2023. Collection method: clinical testing. Allele origin: germline.
Comment: The p.L581S variant (also known as c.1742T>C), located in coding exon 5 of the PALB2 gene, results from a T to C substitution at nucleotide position 1742. The leucine at codon 581 is replaced by serine, an amino acid with dissimilar properties. This alteration has also been reported in at least one individual diagnosed with breast cancer in a study of 13087 breast cancer cases and 5488 control individuals in the UK (Decker B et al. J Med Genet, 2017 11;54:732-741). This amino acid position is well conserved in available vertebrate species. In addition, this alteration is predicted to be tolerated by in silico analysis. Based on the available evidence, the clinical significance of this variant remains unclear.

Baylor Genetics
Classification: Uncertain significance for Familial cancer of breast. Last evaluated: 2023-09-09. Review status: criteria provided, single submitter. Criteria: ACMG Guidelines, 2015. Collection method: clinical testing. Allele origin: unknown.

GeneDx
Classification: Uncertain significance. Last evaluated: 2020-12-23. Review status: criteria provided, single submitter. Criteria: GeneDx Variant Classification Process June 2021. Collection method: clinical testing. Allele origin: germline. Affected: yes.
Comment: Not observed in large population cohorts (Lek 2016); In silico analysis supports that this missense variant does not alter protein structure/function; Observed in individuals with breast or colorectal cancer, but also in unaffected controls (Decker 2017, Yurgelun 2017); This variant is associated with the following publications: (PMID: 28779002, 28135145)

Literature cited by the submitters: PubMed 28135145 (cited by 3 submitters); PubMed 28779002 (cited by Color Diagnostics, LLC DBA Color Health and Ambry Genetics); PubMed 33471991 (cited by Color Diagnostics, LLC DBA Color Health).

NM_024675.4(PALB2):c.1742T>C (p.Leu581Ser)

Gene: PALB2 (partner and localizer of BRCA2; minus strand). Cytogenetic location: 16p12.2.
Variant type: single nucleotide variant.
Coding change: c.1742T>C on transcript NM_024675.4 (MANE Select); coding-DNA position 1742, T replaced by C.
Protein change: p.Leu581Ser; replaces leucine 581 with serine.
Molecular consequence: missense variant.
Genome position (GRCh38, 1-based): chr16:23,630,412, A>G on the plus strand (T>C on the coding strand, the complement: PALB2 is on the minus strand). VCF-style: chr16-23630412-A-G. GRCh37 (hg19) VCF-style: chr16-23641733-A-G.
Other names: short protein forms L581S.
Identifiers: ClinVar variation 410138 (VCV000410138.26), dbSNP rs1060502755, ClinGen allele CA16614883.
Genomic context (GRCh38, chr16:23,630,412, plus strand): 5'-TTTAAACTCAGCATTCCATCCCTATGAAATGGAGCCGTGAAAGCATCATCATCCAAGGAT[A>G]AATAAGCACTATTACTCCAAGAAAGGGAATCCTCTTTTTGATGACGACTTTTCTTCCCTA-3'
Protein context (NP_078951.2, residues 571-591): DSLSWSNSAY[Leu581Ser]SLDDDAFTAP